The following is an entry in ClinVar:

NM_001040142.2(SCN2A):c.710T>C (p.Ile237Thr)

Gene: SCN2A (sodium voltage-gated channel alpha subunit 2; plus strand). Cytogenetic location: 2q24.3.
Variant type: single nucleotide variant.
Coding change: c.710T>C on transcript NM_001040142.2 (MANE Select); coding-DNA position 710, T replaced by C.
Protein change: p.Ile237Thr; replaces isoleucine 237 with threonine.
Molecular consequence: missense variant.
Genome position (GRCh38, 1-based): chr2:165,310,335, T>C. VCF-style: chr2-165310335-T-C. GRCh37 (hg19) VCF-style: chr2-166166845-T-C.
Other names: c.710T>C, p.Ile237Thr (NM_001040143.2, NM_001371246.1, NM_001371247.1 and 1 more transcripts); c.710T>C (NM_021007.2); short protein forms I237T.
Identifiers: ClinVar variation 1712338 (VCV001712338.5), dbSNP rs1697360061, ClinGen allele CA349017775.

ClinVar aggregate classification (germline): Conflicting classifications of pathogenicity. Review status: criteria provided, conflicting classifications (1 of 4 stars). 4 submissions from 4 submitters: Pathogenic (1); Likely pathogenic (2); Uncertain significance (1). Last evaluated 2026-08-17.

Conditions:
SCN2A-related disorder. Also called: SCN2A-related disorders; SCN2A-related condition. Identifiers: MedGen CN382226, MONDO:1060245.
Developmental and epileptic encephalopathy, 11 (DEE11). Also called: Early infantile epileptic encephalopathy 11. Identifiers: Orphanet 1934, MedGen C3150987, MONDO:0013388, OMIM 613721.

Submissions (4):

GeneDx
Classification: Pathogenic. Last evaluated: 2026-08-17. Review status: criteria provided, single submitter. Criteria: GeneDx Variant Classification Process June 2021. Collection method: clinical testing. Allele origin: germline.
Comment: Not observed at significant frequency in large population cohorts (gnomAD); This substitution is predicted to be within the intracellular loop between the S4 and S5 transmembrane segments of the first homologous domain; In silico analysis supports that this missense variant has a deleterious effect on protein structure/function; Has not been previously published as pathogenic or benign to our knowledge

PreventionGenetics, part of Exact Sciences
Classification: Likely pathogenic for SCN2A-related condition. Last evaluated: 2025-05-30. Review status: criteria provided, single submitter. Criteria: ACMG Guidelines, 2015. Collection method: clinical testing. Allele origin: germline.
Comment: The SCN2A c.710T>C variant is predicted to result in the amino acid substitution p.Ile237Thr. To our knowledge, this variant has not been reported in the literature or in a large population database (gnomAD), indicating this variant is rare. Missense prediction programs classify this amino acid change as damaging. This variant is interpreted as likely pathogenic by one submitter to ClinVar, and reported to be de novo in the affected individual. A different amino acid change at this position (p.Ile237Asn) has been reported as de novo in an individual with encephalopathy with early-onset epilepsy (Wolff et al. 2017. PubMed ID: 28379373). This variant is interpreted as likely pathogenic.

3billion
Classification: Uncertain significance for Developmental and epileptic encephalopathy, 11. Last evaluated: 2025-04-23. Review status: criteria provided, single submitter. Criteria: ACMG Guidelines, 2015. Collection method: clinical testing. Allele origin: germline. Affected: yes.

Institute of Human Genetics, University of Leipzig Medical Center
Classification: Likely pathogenic for Developmental and epileptic encephalopathy, 11. Last evaluated: 2022-10-17. Review status: criteria provided, single submitter. Criteria: ACMG Guidelines, 2015. Collection method: clinical testing. Allele origin: de novo. Affected: yes.
Comment: This variant was identified as de novo (maternity and paternity confirmed)._x000D_ Criteria applied: PS2_MOD, PM1, PM5, PM2_SUP, PP3

Literature cited by the submitters: PubMed 28379373 (cited by 3billion).